The following is an entry in ClinVar:

ClinVar aggregate classification (germline): Pathogenic (1 of 4 stars; one submission).

Conditions:
CFTR-related disorder (CFTR-RD). Also called: CFTR-related disorders; CFTR-related condition. Identifiers: MedGen C5924204, MONDO:7770004.

Submission:

Natera, Inc.
Classification: Pathogenic for CFTR-related disorders. Last evaluated: 2024-04-18. Review status: criteria provided, single submitter. Criteria: Natera Variant Classification Schema (03/2026). Collection method: clinical testing. Allele origin: germline.
Comment: The c.605G>A variant in CFTR is a nonsense variant predicted to introduce a stop codon at amino acid 202. This variant is expected to result in nonsense mediated decay, truncation, or a dysfunctional protein product. This variant is rare in the general population with a frequency below the threshold expected for the associated phenotype(s). This variant has been observed in one or more individuals affected with the associated recessive disease, as either homozygous or compound heterozygous with a second variant (PMID: 15744829). Given the available evidence, this variant is classified as Pathogenic.

Literature cited by the submitters: PubMed 15744829.

NM_000492.4(CFTR):c.605G>A (p.Trp202Ter)

Gene: CFTR (CF transmembrane conductance regulator; plus strand). Cytogenetic location: 7q31.2.
Variant type: single nucleotide variant.
Coding change: c.605G>A on transcript NM_000492.4 (MANE Select); coding-DNA position 605, G replaced by A.
Protein change: p.Trp202Ter; replaces tryptophan 202 with a stop codon.
Molecular consequence: nonsense.
Genome position (GRCh38, 1-based): chr7:117,535,273, G>A. VCF-style: chr7-117535273-G-A. GRCh37 (hg19) VCF-style: chr7-117175327-G-A.
Other names: short protein forms W202*.
Identifiers: ClinVar variation 4818572 (VCV004818572.1).
Genomic context (GRCh38, chr7:117,535,273, plus strand): 5'-ATGACACCTGTTTTTGCTGTGCTTTTATTTTCCAGGGACTTGCATTGGCACATTTCGTGT[G>A]GATCGCTCCTTTGCAAGTGGCACTCCTCATGGGGCTAATCTGGGAGTTGTTACAGGCGTC-3'